The following is an entry in ClinVar:

NM_021098.3(CACNA1H):c.6049-3C>T

Gene: CACNA1H (calcium voltage-gated channel subunit alpha1 H; plus strand). Cytogenetic location: 16p13.3.
Variant type: single nucleotide variant.
Coding change: c.6049-3C>T on transcript NM_021098.3 (MANE Select); 3 bases into the intron before coding-DNA position 6049, C replaced by T.
Molecular consequence: intron variant.
Genome position (GRCh38, 1-based): chr16:1,219,978, C>T. VCF-style: chr16-1219978-C-T. GRCh37 (hg19) VCF-style: chr16-1269978-C-T.
Other names: c.6031-3C>T (NM_001005407.2).
Identifiers: ClinVar variation 965584 (VCV000965584.9), dbSNP rs143900018, ClinGen allele CA7802229.

ClinVar aggregate classification (germline): Uncertain significance. Review status: criteria provided, multiple submitters, no conflicts (2 of 4 stars). 2 submissions from 2 submitters: Uncertain significance (2). Last evaluated 2025-11-23.

Conditions:
Idiopathic generalized epilepsy. Also called: Generalised epilepsy; EIG. Identifiers: MedGen C0270850, MONDO:0005579, OMIM 600669.
Hyperaldosteronism, familial, type IV (HALD4). Also called: FH IV; ALDOSTERONISM, PRIMARY, AND HYPERTENSION. Identifiers: Orphanet 642671, MedGen C4310756, MONDO:0014875, OMIM 617027.

Allele frequency attached by ClinVar (database versions not stated): gnomAD exomes 0.00003 and 0.00005; TOPMed 0.00017; gnomAD 0.00022 and 0.00023; ExAC 0.00023; ESP Exome Variant Server 0.00050; 1000 Genomes Project 30x 0.00094; 1000 Genomes Project 0.00100.
gnomAD v4.1: 67 of 1,305,706 alleles (0.0051%); highest among the groups gnomAD compares: African/African-American, 0.078%; no homozygotes.

Submissions (2):

Labcorp Genetics (formerly Invitae), Labcorp
Classification: Uncertain significance for Idiopathic generalized epilepsy; Hyperaldosteronism, familial, type IV. Last evaluated: 2025-11-23. Review status: criteria provided, single submitter. Criteria: Invitae Variant Classification Sherloc (09022015). Collection method: clinical testing. Allele origin: germline.
Comment: This sequence change falls in intron 34 of the CACNA1H gene. It does not directly change the encoded amino acid sequence of the CACNA1H protein. It affects a nucleotide within the consensus splice site. This variant is present in population databases (rs143900018, gnomAD 0.06%), and has an allele count higher than expected for a pathogenic variant. This variant has not been reported in the literature in individuals affected with CACNA1H-related conditions. ClinVar contains an entry for this variant (Variation ID: 965584). Variants that disrupt the consensus splice site are a relatively common cause of aberrant splicing (PMID: 17576681, 9536098). Algorithms developed to predict the effect of sequence changes on RNA splicing suggest that this variant is not likely to affect RNA splicing. In summary, the available evidence is currently insufficient to determine the role of this variant in disease. Therefore, it has been classified as a Variant of Uncertain Significance.

Department of Pathology and Laboratory Medicine, Sinai Health System
Classification: Uncertain significance for Hyperaldosteronism, familial, type IV. Last evaluated: 2022-10-31. Review status: criteria provided, single submitter. Criteria: ACMG Guidelines, 2015. Collection method: research. Allele origin: germline.

Literature cited by the submitters: PubMed 17576681 (cited by Labcorp Genetics (formerly Invitae), Labcorp); PubMed 9536098 (cited by Labcorp Genetics (formerly Invitae), Labcorp).